The following is an entry in ClinVar:

NM_001111.5(ADAR):c.694A>G (p.Arg232Gly)

Gene: ADAR (adenosine deaminase RNA specific; minus strand). Cytogenetic location: 1q21.3.
Variant type: single nucleotide variant.
Coding change: c.694A>G on transcript NM_001111.5 (MANE Select); coding-DNA position 694, A replaced by G.
Protein change: p.Arg232Gly; replaces arginine 232 with glycine.
Molecular consequence: missense variant. On other transcripts: 5 prime UTR variant (6).
Genome position (GRCh38, 1-based): chr1:154,601,948, T>C on the plus strand (A>G on the coding strand, the complement: ADAR is on the minus strand). VCF-style: chr1-154601948-T-C. GRCh37 (hg19) VCF-style: chr1-154574424-T-C.
Other names: c.-192A>G (NM_001025107.3, NM_001193495.2, NM_001365046.1 and 3 more transcripts); c.721A>G, p.Arg241Gly (NM_001365045.1); c.694A>G, p.Arg232Gly (NM_015840.4, NM_015841.4); short protein forms R232G, R241G.
Identifiers: ClinVar variation 1718864 (VCV001718864.5), dbSNP rs2526660861, ClinGen allele CA342600412.

ClinVar aggregate classification (germline): Uncertain significance (1 of 4 stars; one submission).

Conditions:
Symmetrical dyschromatosis of extremities (DSH). Also called: DYSCHROMATOSIS SYMMETRICA HEREDITARIA 1; RETICULATE ACROPIGMENTATION OF DOHI; SYMMETRIC DYSCHROMATOSIS OF THE EXTREMITIES; Dyschromatosis symmetrica hereditaria. Identifiers: Orphanet 41, MedGen C0406775, MONDO:0007483, OMIM 127400.
Aicardi-Goutieres syndrome 6 (AGS6). Identifiers: Orphanet 51, MedGen C3539013, MONDO:0014007, OMIM 615010.

Submission:

Labcorp Genetics (formerly Invitae), Labcorp
Classification: Uncertain significance for Aicardi-Goutieres syndrome 6; Symmetrical dyschromatosis of extremities. Last evaluated: 2022-09-05. Review status: criteria provided, single submitter. Criteria: Invitae Variant Classification Sherloc (09022015). Collection method: clinical testing. Allele origin: germline.
Comment: In summary, the available evidence is currently insufficient to determine the role of this variant in disease. Therefore, it has been classified as a Variant of Uncertain Significance. Algorithms developed to predict the effect of missense changes on protein structure and function are either unavailable or do not agree on the potential impact of this missense change (SIFT: "Tolerated"; PolyPhen-2: "Not Available"; Align-GVGD: "Class C0"). This variant has not been reported in the literature in individuals affected with ADAR-related conditions. This variant is not present in population databases (gnomAD no frequency). This sequence change replaces arginine, which is basic and polar, with glycine, which is neutral and non-polar, at codon 232 of the ADAR protein (p.Arg232Gly).